The following is an entry in ClinVar:

ClinVar aggregate classification (germline): Uncertain significance (1 of 4 stars; one submission).

gnomAD v4.1: 1 of 1,532,094 alleles (0.000065%); highest among the groups gnomAD compares: Non-Finnish European, 0.000088%; no homozygotes.

Submission:

Labcorp Genetics (formerly Invitae), Labcorp
Classification: Uncertain significance. Last evaluated: 2022-11-23. Review status: criteria provided, single submitter. Criteria: Invitae Variant Classification Sherloc (09022015). Collection method: clinical testing. Allele origin: germline.
Comment: Algorithms developed to predict the effect of missense changes on protein structure and function are either unavailable or do not agree on the potential impact of this missense change (SIFT: "Tolerated"; PolyPhen-2: "Possibly Damaging"; Align-GVGD: "Class C0"). This variant has not been reported in the literature in individuals affected with FERMT1-related conditions. In summary, the available evidence is currently insufficient to determine the role of this variant in disease. Therefore, it has been classified as a Variant of Uncertain Significance. This sequence change replaces asparagine, which is neutral and polar, with lysine, which is basic and polar, at codon 129 of the FERMT1 protein (p.Asn129Lys). This variant is not present in population databases (gnomAD no frequency).

NM_017671.5(FERMT1):c.387T>A (p.Asn129Lys)

Gene: FERMT1 (FERM domain containing kindlin 1; minus strand). Cytogenetic location: 20p12.3.
Variant type: single nucleotide variant.
Coding change: c.387T>A on transcript NM_017671.5 (MANE Select); coding-DNA position 387, T replaced by A.
Protein change: p.Asn129Lys; replaces asparagine 129 with lysine.
Molecular consequence: missense variant.
Genome position (GRCh38, 1-based): chr20:6,112,622, A>T on the plus strand (T>A on the coding strand, the complement: FERMT1 is on the minus strand). VCF-style: chr20-6112622-A-T. GRCh37 (hg19) VCF-style: chr20-6093269-A-T.
Other names: short protein forms N129K.
Identifiers: ClinVar variation 2014008 (VCV002014008.3), dbSNP rs1269063125, ClinGen allele CA408190848.